The following is an entry in ClinVar:

ClinVar aggregate classification (germline): Likely benign. Review status: reviewed by expert panel (3 of 4 stars). 12 submissions from 12 submitters: Likely benign (1). 11 of the submissions do not count toward it. Last evaluated 2023-08-10.

Conditions:
Ovarian cancer. Also called: OVARIAN CANCER, SOMATIC. Identifiers: Orphanet 213500, MedGen C1140680, MONDO:0008170, OMIM 167000.
Familial cancer of breast. Also called: BREAST CANCER, FAMILIAL; Hereditary breast cancer; hereditary breast carcinoma. Identifiers: Orphanet 227535, MedGen C0346153, MONDO:0016419, OMIM 114480. Disease mechanism: loss of function.
CDH1-related diffuse gastric and lobular breast cancer syndrome. Also called: CDH1-related diffuse gastric and lobular breast cancer. Identifiers: MedGen CN311521, MONDO:0100488.
CDH1-related disorder. Also called: CDH1-related condition.
Hereditary cancer-predisposing syndrome. Also called: Tumor predisposition; Neoplastic Syndromes, Hereditary; Hereditary neoplastic syndrome; Hereditary Cancer Syndrome. Identifiers: Orphanet 140162, MedGen C0027672, MeSH D009386, MONDO:0015356.
Hereditary diffuse gastric adenocarcinoma (HDGC). Also called: DIFFUSE GASTRIC AND LOBULAR BREAST CANCER SYNDROME. Identifiers: Orphanet 26106, MedGen C1708349, MONDO:0007648, OMIM 137215.

Allele frequency attached by ClinVar (database versions not stated): gnomAD exomes 0.00001 and 0.00002; TOPMed 0.00001; gnomAD 0.00002; ExAC 0.00003.
gnomAD v4.1: 23 of 1,614,008 alleles (0.0014%); highest among the groups gnomAD compares: Admixed American, 0.005%; no homozygotes.

Submissions (12):

Clingen Gastric Cancer Variant Curation Expert Panel
Classification: Likely benign for CDH1-related diffuse gastric and lobular breast cancer syndrome. Last evaluated: 2023-08-10. Review status: reviewed by expert panel. Criteria: ClinGen CDH1 ACMG Specifications V3.1. Collection method: curation. Allele origin: germline. Inheritance: Autosomal dominant inheritance.
Comment: The c.269G>A (p.Arg90Gln) missense variant has a frequency of 0.00001989 (5 of 251,334) in the gnomAD v2.1.1 cohort, with a maximum non-founder allele frequency of 0.00004401 (5 of 113,622) in the European non-Finnish subpopulation. This variant has been observed in at least 10 (55) individuals without DGC, SRC tumours or LBC and whose families do not suggest HDGC (BS2; SCV000567761.3, SCV000254829.7). In summary, the clinical significance of this variant is classified as likely benign based on BS2 alone. ACMG/AMP criteria applied, as specified by the CDH1 Variant Curation Expert Panel (Variant Interpretation Guidelines Version 3.1): BS2.

Labcorp Genetics (formerly Invitae), Labcorp
Classification: Likely benign for Hereditary diffuse gastric adenocarcinoma. Last evaluated: 2026-01-12. Review status: criteria provided, single submitter. Criteria: Invitae Variant Classification Sherloc (09022015). Collection method: clinical testing. Allele origin: germline. Not counted in ClinVar's aggregate classification.

PreventionGenetics, part of Exact Sciences
Classification: Likely benign for CDH1-related condition. Last evaluated: 2025-12-16. Review status: criteria provided, single submitter. Criteria: ACMG Guidelines, 2015. Collection method: clinical testing. Allele origin: germline. Not counted in ClinVar's aggregate classification.
Comment: This variant is classified as likely benign based on ACMG/AMP sequence variant interpretation guidelines (Richards et al. 2015 PMID: 25741868, with internal and published modifications).

Department of Pathology and Laboratory Medicine, Sinai Health System
Classification: Likely benign for Familial cancer of breast; Ovarian cancer. Last evaluated: 2024-05-06. Review status: criteria provided, single submitter. Criteria: ACMG Guidelines, 2015. Collection method: clinical testing. Allele origin: germline. Affected: yes. Not counted in ClinVar's aggregate classification.

Color Diagnostics, LLC DBA Color Health
Classification: Uncertain significance for Hereditary cancer-predisposing syndrome. Last evaluated: 2024-04-02. Review status: criteria provided, single submitter. Criteria: ACMG Guidelines, 2015. Collection method: clinical testing. Allele origin: germline. Not counted in ClinVar's aggregate classification.
Comment: This missense variant replaces arginine with glutamine at codon 90 of the CDH1 protein. To our knowledge, functional studies have not been reported for this variant. This variant has not been reported in individuals affected with CDH1-related disorders in the literature. This variant has been identified in 5/251334 chromosomes in the general population by the Genome Aggregation Database (gnomAD). The available evidence is insufficient to determine the role of this variant in disease conclusively. Therefore, this variant is classified as a Variant of Uncertain Significance.

Mendelics
Classification: Benign for Hereditary diffuse gastric adenocarcinoma. Last evaluated: 2023-08-22. Review status: criteria provided, single submitter. Criteria: Mendelics Assertion Criteria 2019. Collection method: clinical testing. Allele origin: germline. Not counted in ClinVar's aggregate classification.

GeneDx
Classification: Uncertain significance. Last evaluated: 2023-07-06. Review status: criteria provided, single submitter. Criteria: GeneDx Variant Classification Process June 2021. Collection method: clinical testing. Allele origin: germline. Affected: yes. Not counted in ClinVar's aggregate classification.
Comment: Not observed at significant frequency in large population cohorts (gnomAD); In silico analysis, which includes protein predictors and evolutionary conservation, supports that this variant does not alter protein structure/function; Observed in individuals with a personal or family history of breast cancer (Guindalini et al., 2022; Garcia-Pelaez et al., 2023); This variant is associated with the following publications: (PMID: 24030381, 25344691, 28229982, 30287823, 32175104, 15235021, 35264596, 36436516)

Myriad Genetics, Inc.
Classification: Uncertain significance for Hereditary diffuse gastric adenocarcinoma. Last evaluated: 2023-03-06. Review status: criteria provided, single submitter. Criteria: Myriad Autosomal Dominant, Autosomal Recessive and X-Linked Classification Criteria (2023). Collection method: clinical testing. Allele origin: unknown. Not counted in ClinVar's aggregate classification.
Comment: This variant is classified as a variant of uncertain significance as there is insufficient evidence to determine its impact on protein function and/or cancer risk.

European Reference Network on Genetic Tumour Risk Syndromes (ERN-GENTURIS), i3s - Instituto de Investigação e Inovação em Saúde, University of Porto
Classification: Likely benign for Hereditary diffuse gastric adenocarcinoma. Last evaluated: 2022-08-01. Review status: criteria provided, single submitter. Criteria: Lee et al. (Hum Mutat. 2018). Collection method: clinical testing. Allele origin: germline. Inheritance: Autosomal dominant inheritance. Affected: no. Study: ERN GENTURIS. Not counted in ClinVar's aggregate classification.
Comment: BS2 (PMID: 30311375)

Quest Diagnostics Nichols Institute San Juan Capistrano
Classification: Uncertain significance. Last evaluated: 2020-12-30. Review status: criteria provided, single submitter. Criteria: Quest Diagnostics criteria. Collection method: clinical testing. Allele origin: unknown. Not counted in ClinVar's aggregate classification.

Ambry Genetics
Classification: Likely benign for Hereditary cancer-predisposing syndrome. Last evaluated: 2018-09-14. Review status: criteria provided, single submitter. Criteria: Ambry Variant Classification Scheme 2023. Collection method: clinical testing. Allele origin: germline. Not counted in ClinVar's aggregate classification.

Counsyl
Classification: Uncertain significance for Hereditary diffuse gastric adenocarcinoma. Last evaluated: 2016-12-28. Review status: no assertion criteria provided. Collection method: clinical testing. Allele origin: unknown. Not counted in ClinVar's aggregate classification.

Literature cited by the submitters: PubMed 36436516 (cited by Department of Pathology and Laboratory Medicine, Sinai Health System and European Reference Network on Genetic Tumour Risk Syndromes (ERN-GENTURIS), i3s - Instituto de Investigação e Inovação em Saúde, University of Porto); PubMed 33471991 (cited by Department of Pathology and Laboratory Medicine, Sinai Health System); PubMed 30287823 (cited by Quest Diagnostics Nichols Institute San Juan Capistrano).

NM_004360.5(CDH1):c.269G>A (p.Arg90Gln)

Gene: CDH1 (cadherin 1; plus strand). Cytogenetic location: 16q22.1.
Variant type: single nucleotide variant.
Coding change: c.269G>A on transcript NM_004360.5 (MANE Select); coding-DNA position 269, G replaced by A.
Protein change: p.Arg90Gln; replaces arginine 90 with glutamine.
Molecular consequence: missense variant. On other transcripts: 5 prime UTR variant (2).
Genome position (GRCh38, 1-based): chr16:68,801,775, G>A. VCF-style: chr16-68801775-G-A. GRCh37 (hg19) VCF-style: chr16-68835678-G-A.
Other names: NM_004360.5(CDH1):c.269G>A; p.Arg90Gln; c.269G>A, p.Arg90Gln (NM_001317184.2); c.-1347G>A (NM_001317185.2); c.-1551G>A (NM_001317186.2); short protein forms R90Q.
Identifiers: ClinVar variation 142692 (VCV000142692.35), dbSNP rs587782647, ClinGen allele CA169145.